The following is an entry in ClinVar:

NM_001281740.3(FHOD3):c.326A>G (p.His109Arg)

Gene: FHOD3 (formin homology 2 domain containing 3; plus strand). Cytogenetic location: 18q12.2.
Variant type: single nucleotide variant.
Coding change: c.326A>G on transcript NM_001281740.3 (MANE Select); coding-DNA position 326, A replaced by G.
Protein change: p.His109Arg; replaces histidine 109 with arginine.
Molecular consequence: missense variant.
Genome position (GRCh38, 1-based): chr18:36,372,733, A>G. VCF-style: chr18-36372733-A-G. GRCh37 (hg19) VCF-style: chr18-33952696-A-G.
Other names: c.326A>G, p.His109Arg (NM_001281739.3, NM_025135.5); short protein forms H109R.
Identifiers: ClinVar variation 4984216 (VCV004984216.1).

ClinVar aggregate classification (germline): Uncertain significance (1 of 4 stars; one submission).

Conditions:
FHOD3-related disorder. Also called: FHOD3-related condition.

gnomAD v4.1: 7 of 1,613,914 alleles (0.00043%); highest among the groups gnomAD compares: Non-Finnish European, 0.00059%; no homozygotes.

Submission:

PreventionGenetics, part of Exact Sciences
Classification: Uncertain significance for FHOD3-related condition. Last evaluated: 2026-09-23. Review status: criteria provided, single submitter. Criteria: ACMG Guidelines, 2015. Collection method: clinical testing. Allele origin: germline.
Comment: The FHOD3 c.326A>G variant is predicted to result in the amino acid substitution p.His109Arg. To our knowledge, this variant has not been reported in the literature. This variant is reported in 0.00088% of alleles in individuals of European (Non-Finnish) descent in gnomAD. At this time, the clinical significance of this variant is uncertain due to the absence of conclusive functional and genetic evidence.